The following is an entry in ClinVar:

NM_003000.3(SDHB):c.642+4A>G

Gene: SDHB (succinate dehydrogenase complex iron sulfur subunit B; minus strand). Cytogenetic location: 1p36.13.
Variant type: single nucleotide variant.
Coding change: c.642+4A>G on transcript NM_003000.3 (MANE Select); 4 bases into the intron after coding-DNA position 642, A replaced by G.
Molecular consequence: intron variant.
Genome position (GRCh38, 1-based): chr1:17,023,969, T>C on the plus strand (A>G on the coding strand, the complement: SDHB is on the minus strand). VCF-style: chr1-17023969-T-C. GRCh37 (hg19) VCF-style: chr1-17350464-T-C.
Identifiers: ClinVar variation 459162 (VCV000459162.12), dbSNP rs1225871505, ClinGen allele CA658656884.

ClinVar aggregate classification (germline): Uncertain significance. Review status: criteria provided, multiple submitters, no conflicts (2 of 4 stars). 3 submissions from 3 submitters: Uncertain significance (3). Last evaluated 2025-05-30.

Conditions:
Hereditary cancer-predisposing syndrome. Also called: Tumor predisposition; Hereditary neoplastic syndrome; Neoplastic Syndromes, Hereditary; Hereditary Cancer Syndrome. Identifiers: Orphanet 140162, MedGen C0027672, MeSH D009386, MONDO:0015356.
Pheochromocytoma. Also called: MAX-Related Hereditary Paraganglioma-Pheochromocytoma Syndrome. Identifiers: Orphanet 29072, MedGen C0031511, MONDO:0008233, OMIM 171300, HP:0002666.
Pheochromocytoma/paraganglioma syndrome 4. Also called: SDHB-Related Hereditary Paraganglioma-Pheochromocytoma Syndrome (Paragangliomas 4); CAROTID BODY TUMORS AND MULTIPLE EXTRAADRENAL PHEOCHROMOCYTOMAS; PARAGANGLIOMA, FAMILIAL MALIGNANT; PARAGANGLIOMAS, HEREDITARY EXTRAADRENAL; SDHB-Related Hereditary Paraganglioma-Pheochromocytoma Syndrome; PHEOCHROMOCYTOMA, FAMILIAL EXTRAADRENAL. Identifiers: Orphanet 29072, MedGen C1861848, MONDO:0007273, OMIM 115310.
Gastrointestinal stromal tumor. Also called: Gastrointestinal stroma tumor; Gastrointestinal stromal tumor, somatic. Identifiers: Orphanet 44890, MedGen C0238198, MeSH D046152, MONDO:0011719, OMIM 606764, HP:0100723.

Allele frequency attached by ClinVar (database versions not stated): gnomAD exomes below 0.00001; TOPMed below 0.00001.
gnomAD v4.1: 4 of 1,605,200 alleles (0.00025%); highest among the groups gnomAD compares: Non-Finnish European, 0.00034%; no homozygotes.

Submissions (3):

Ambry Genetics
Classification: Uncertain significance for Hereditary cancer-predisposing syndrome. Last evaluated: 2025-05-30. Review status: criteria provided, single submitter. Criteria: Ambry Variant Classification Scheme 2023. Collection method: clinical testing. Allele origin: germline.
Comment: The c.642+4A>G intronic variant results from an A to G substitution 4 nucleotides after coding exon 6 in the SDHB gene. This variant has been reported in one patient with PGL/PCC, but was indicated to demonstrate normal splicing in cDNA analysis, and was therefore considered as a polymorphism in that publication (Lefebvre S et al. Horm Metab Res. 2012 May;44(5):334-8). This nucleotide position is well conserved in available vertebrate species. In silico splice site analysis predicts that this alteration may weaken the native splice donor site. RNA studies have demonstrated that this alteration results in a splice defect; the clinical impact of this abnormal splicing is unknown at this time (Ambry internal data). Based on the available evidence, the clinical significance of this variant remains unclear.

Labcorp Genetics (formerly Invitae), Labcorp
Classification: Uncertain significance for Gastrointestinal stromal tumor; Pheochromocytoma/paraganglioma syndrome 4; Pheochromocytoma. Last evaluated: 2024-02-02. Review status: criteria provided, single submitter. Criteria: Invitae Variant Classification Sherloc (09022015). Collection method: clinical testing. Allele origin: germline.
Comment: This sequence change falls in intron 6 of the SDHB gene. It does not directly change the encoded amino acid sequence of the SDHB protein. It affects a nucleotide within the consensus splice site. This variant is not present in population databases (gnomAD no frequency). This variant has not been reported in the literature in individuals affected with SDHB-related conditions. ClinVar contains an entry for this variant (Variation ID: 459162). Variants that disrupt the consensus splice site are a relatively common cause of aberrant splicing (PMID: 17576681, 9536098). Studies have shown that this variant is associated with inconclusive levels of altered splicing (Invitae). In summary, the available evidence is currently insufficient to determine the role of this variant in disease. Therefore, it has been classified as a Variant of Uncertain Significance.

GeneDx
Classification: Uncertain significance. Last evaluated: 2020-04-01. Review status: criteria provided, single submitter. Criteria: GeneDx Variant Classification Process June 2021. Collection method: clinical testing. Allele origin: germline. Affected: yes.
Comment: Not observed in large population cohorts (Lek 2016); In-silico analysis, which includes splice predictors and evolutionary conservation, is inconclusive as to whether the variant alters gene splicing. In the absence of RNA/functional studies, the actual effect of this sequence change is unknown.; Observed in individuals with paraganglioma or pheochromocytoma (Lefebvre 2012); This variant is associated with the following publications: (PMID: 22517554)

Literature cited by the submitters: PubMed 17576681 (cited by Labcorp Genetics (formerly Invitae), Labcorp); PubMed 9536098 (cited by Labcorp Genetics (formerly Invitae), Labcorp).